The following is an entry in ClinVar:

ClinVar aggregate classification (germline): Likely pathogenic (1 of 4 stars; one submission).

Conditions:
Cardiovascular phenotype. Identifiers: MedGen CN230736.

Submission:

Molecular Diagnostic Laboratory for Inherited Cardiovascular Disease, Montreal Heart Institute
Classification: Likely pathogenic for Cardiovascular phenotype. Last evaluated: 2025-03-07. Review status: criteria provided, single submitter. Criteria: ACMG Guidelines, 2015. Collection method: clinical testing. Allele origin: germline. Affected: yes.
Comment: PVS1, PM2

NM_001267550.2(TTN):c.49046T>G (p.Leu16349Ter)

Genes: TTN (titin; minus strand), TTN-AS1 (TTN antisense RNA 1; plus strand), LOC126806426 (BRD4-independent group 4 enhancer GRCh37_chr2:179478848-179480047; plus strand). Cytogenetic location: 2q31.2.
Variant type: single nucleotide variant.
Coding change: c.49046T>G on transcript NM_001267550.2 (MANE Select); coding-DNA position 49046, T replaced by G.
Protein change: p.Leu16349Ter; replaces leucine 16349 with a stop codon.
Molecular consequence: nonsense. On other transcripts: non-coding transcript variant (1).
Genome position (GRCh38, 1-based): chr2:178,614,468, A>C on the plus strand (T>G on the coding strand, the complement: TTN is on the minus strand). VCF-style: chr2-178614468-A-C. GRCh37 (hg19) VCF-style: chr2-179479195-A-C.
Other names: c.44123T>G, p.Leu14708Ter (NM_001256850.1); c.21851T>G, p.Leu7284Ter (NM_003319.4); c.41342T>G, p.Leu13781Ter (NM_133378.4); c.22226T>G, p.Leu7409Ter (NM_133432.3); c.22427T>G, p.Leu7476Ter (NM_133437.4); short protein forms L13781*, L14708*, L16349*, L7284*, L7409*, L7476*.
Identifiers: ClinVar variation 3895441 (VCV003895441.1).